The following is an entry in ClinVar:

NM_033419.5(PGAP3):c.450dup (p.Phe151fs)

Gene: PGAP3 (post-GPI attachment to proteins phospholipase 3; minus strand). Cytogenetic location: 17q12.
Variant type: Duplication.
Coding change: c.450dup on transcript NM_033419.5 (MANE Select); coding-DNA position 450, one base duplicated (G; older notation c.450dupG).
Protein change: p.Phe151fs; shifts the reading frame from phenylalanine 151.
Molecular consequence: frameshift variant. On other transcripts: intron variant (3).
Genome position (GRCh38, 1-based): chr17:39,674,662, C duplicated on the plus strand (G on the coding strand, the reverse complement: PGAP3 is on the minus strand); the first of 2 consecutive C bases (chr17:39,674,662-39,674,663); duplicating either gives the same sequence. VCF-style (leftmost placement, unchanged base first): chr17-39674661-A-AC. GRCh37 (hg19) VCF-style: chr17-37830914-A-AC.
Other names: c.297dup, p.Phe100fs (NM_001291726.2); c.450dup, p.Phe151fs (NM_001291730.2); c.433-1796dup (NM_001291733.2); c.433-608dup (NM_001291732.2, NM_001291728.2); short protein forms F100fs, F151fs.
Identifiers: ClinVar variation 3715220 (VCV003715220.2).
Genomic context (GRCh38, chr17:39,674,661, plus strand): 5'-CTGGAGGAATGCTCACCTCTGTGAGGTCAGTGTCCCTGGTGTGGAAAACTGTGGACCAGA[A>AC]CCATGCATTGAGGGACACCTAAGGAGGGAGGGGCTGGTGAGCATGCTGCCCCCCACCCTG-3'

ClinVar aggregate classification (germline): Pathogenic (1 of 4 stars; one submission).

Submission:

Labcorp Genetics (formerly Invitae), Labcorp
Classification: Pathogenic. Last evaluated: 2024-08-31. Review status: criteria provided, single submitter. Criteria: Invitae Variant Classification Sherloc (09022015). Collection method: clinical testing. Allele origin: germline.
Comment: This sequence change creates a premature translational stop signal (p.Phe151Valfs*12) in the PGAP3 gene. It is expected to result in an absent or disrupted protein product. Loss-of-function variants in PGAP3 are known to be pathogenic (PMID: 2443911, 27120253). This variant is not present in population databases (gnomAD no frequency). This variant has not been reported in the literature in individuals affected with PGAP3-related conditions. For these reasons, this variant has been classified as Pathogenic.

Literature cited by the submitters: PubMed 2443911; PubMed 27120253.